The following is an entry in ClinVar:

ClinVar aggregate classification (germline): Conflicting classifications of pathogenicity. Review status: criteria provided, conflicting classifications (1 of 4 stars). 2 submissions from 2 submitters: Uncertain significance (1); Likely benign (1). Last evaluated 2023-03-23.

Conditions:
Hereditary breast ovarian cancer syndrome. Also called: Hereditary breast and ovarian cancer syndrome (HBOC); BRCA1- and BRCA2-Associated Hereditary Breast and Ovarian Cancer; Hereditary breast and ovarian cancer syndrome; Breast and ovarian cancer; Hereditary breast and ovarian cancer; Hereditary breast and/or ovarian cancer syndrome. Identifiers: Orphanet 145, MedGen C0677776, MeSH D061325, MONDO:0003582. Disease mechanism: loss of function.
Hereditary cancer-predisposing syndrome. Also called: Hereditary neoplastic syndrome; Neoplastic Syndromes, Hereditary; Tumor predisposition; Hereditary Cancer Syndrome. Identifiers: Orphanet 140162, MedGen C0027672, MeSH D009386, MONDO:0015356.

Submissions (2):

University of Washington Department of Laboratory Medicine, University of Washington
Classification: Likely benign for Hereditary cancer-predisposing syndrome. Last evaluated: 2023-03-23. Review status: criteria provided, single submitter. Criteria: Dines et al. (Genet Med. 2020). Collection method: curation. Allele origin: germline.
Comment: Missense variant in a coldspot region where missense variants are very unlikely to be pathogenic (PMID:31911673).

BRCA2 exon 10 coldspot. Reclassification based on statistical prior probability.

Labcorp Genetics (formerly Invitae), Labcorp
Classification: Uncertain significance for Hereditary breast ovarian cancer syndrome. Last evaluated: 2017-09-16. Review status: criteria provided, single submitter. Criteria: Invitae Variant Classification Sherloc (09022015). Collection method: clinical testing. Allele origin: germline.
Comment: In summary, the available evidence is currently insufficient to determine the role of this variant in disease. Therefore, it has been classified as a Variant of Uncertain Significance. Algorithms developed to predict the effect of missense changes on protein structure and function (SIFT, PolyPhen-2, Align-GVGD) all suggest that this variant is likely to be tolerated, but these predictions have not been confirmed by published functional studies and their clinical significance is uncertain. This variant has not been reported in the literature in individuals with BRCA2-related disease. This variant is not present in population databases (ExAC no frequency). This sequence change replaces asparagine with lysine at codon 517 of the BRCA2 protein (p.Asn517Lys). The asparagine residue is weakly conserved and there is a moderate physicochemical difference between asparagine and lysine.

NM_000059.4(BRCA2):c.1551T>A (p.Asn517Lys)

Gene: BRCA2 (BRCA2 DNA repair associated; plus strand). Cytogenetic location: 13q13.1.
Variant type: single nucleotide variant.
Coding change: c.1551T>A on transcript NM_000059.4 (MANE Select); coding-DNA position 1551, T replaced by A.
Protein change: p.Asn517Lys; replaces asparagine 517 with lysine.
Molecular consequence: missense variant.
Genome position (GRCh38, 1-based): chr13:32,333,029, T>A. VCF-style: chr13-32333029-T-A. GRCh37 (hg19) VCF-style: chr13-32907166-T-A.
Other names: short protein forms N517K.
Identifiers: ClinVar variation 531221 (VCV000531221.10), dbSNP rs760647691, ClinGen allele CA387764664.